The following is an entry in ClinVar:

NM_006158.5(NEFL):c.793T>A (p.Tyr265Asn)

Gene: NEFL (neurofilament light chain; minus strand). Cytogenetic location: 8p21.2.
Variant type: single nucleotide variant.
Coding change: c.793T>A on transcript NM_006158.5 (MANE Select); coding-DNA position 793, T replaced by A.
Protein change: p.Tyr265Asn; replaces tyrosine 265 with asparagine.
Molecular consequence: missense variant.
Genome position (GRCh38, 1-based): chr8:24,955,723, A>T on the plus strand (T>A on the coding strand, the complement: NEFL is on the minus strand). VCF-style: chr8-24955723-A-T. GRCh37 (hg19) VCF-style: chr8-24813237-A-T.
Other names: short protein forms Y265N.
Identifiers: ClinVar variation 2067835 (VCV002067835.4), dbSNP rs1554497573, ClinGen allele CA370621620.
Genomic context (GRCh38, chr8:24,955,723, plus strand): 5'-TGAAGCGGCTCTTGAACCATTCCTCAGCGTTCTGCATGTTCTTGGCGGCCAGCTTCTCGT[A>T]CTGCGCGCGGATGTCCTTGAGCGCGGCGGAAAGGTCGGGCTTGGTCACGTCCATCTCCAC-3'
Protein context (NP_006149.2, residues 255-275): SAALKDIRAQ[Tyr265Asn]EKLAAKNMQN

ClinVar aggregate classification (germline): Likely pathogenic (1 of 4 stars; one submission).

Conditions:
Charcot-Marie-Tooth disease type 2E (CMT2E). Also called: CHARCOT-MARIE-TOOTH NEUROPATHY, TYPE 2E; CHARCOT-MARIE-TOOTH DISEASE, AXONAL, TYPE 2E. Identifiers: Orphanet 99939, MedGen C1843225, MONDO:0011894, OMIM 607684.

Submission:

Labcorp Genetics (formerly Invitae), Labcorp
Classification: Likely pathogenic for Charcot-Marie-Tooth disease type 2E. Last evaluated: 2024-02-05. Review status: criteria provided, single submitter. Criteria: Invitae Variant Classification Sherloc (09022015). Collection method: clinical testing. Allele origin: germline.
Comment: This sequence change replaces tyrosine, which is neutral and polar, with asparagine, which is neutral and polar, at codon 265 of the NEFL protein (p.Tyr265Asn). This variant is not present in population databases (gnomAD no frequency). This missense change has been observed in individual(s) with clinical features of autosomal dominant Charcot-Marie-Tooth disease (Invitae). It has also been observed to segregate with disease in related individuals. ClinVar contains an entry for this variant (Variation ID: 2067835). Advanced modeling of protein sequence and biophysical properties (such as structural, functional, and spatial information, amino acid conservation, physicochemical variation, residue mobility, and thermodynamic stability) performed at Invitae indicates that this missense variant is expected to disrupt NEFL protein function with a positive predictive value of 80%. This variant disrupts the p.Tyr265 amino acid residue in NEFL. Other variant(s) that disrupt this residue have been determined to be pathogenic (PMID: 25802885, 31788662). This suggests that this residue is clinically significant, and that variants that disrupt this residue are likely to be disease-causing. In summary, the currently available evidence indicates that the variant is pathogenic, but additional data are needed to prove that conclusively. Therefore, this variant has been classified as Likely Pathogenic.

Literature cited by the submitters: PubMed 25802885; PubMed 31788662.